The following is an entry in ClinVar:

NM_001042492.3:c.(3974+1_3975-1)_(6006+1_6007-1)del

Gene: NF1 (neurofibromin 1; plus strand).
Variant type: Deletion.
Other names: c.(3974+1_3975-1)_(6006+1_6007-1)del (NM_001042492.3).
Identifiers: ClinVar variation 4857601 (VCV004857601.1).

ClinVar aggregate classification (germline): Pathogenic (1 of 4 stars; one submission).

Conditions:
Neurofibromatosis, type 1 (NF1). Also called: NEUROFIBROMATOSIS, TYPE I, SOMATIC; Peripheral type neurofibromatosis; Neurofibromatosis, type I; VON RECKLINGHAUSEN DISEASE. Identifiers: Orphanet 636, MedGen C0027831, MONDO:0018975, OMIM 162200. Disease mechanism: loss of function.

Submission:

Regional Center For Medical Genetics Timis, Louis Turcanu Emergency Hospital for Children Timisoara
Classification: Pathogenic for Neurofibromatosis, type 1. Review status: criteria provided, single submitter. Criteria: ACMG Guidelines, 2015. Collection method: clinical testing. Allele origin: unknown. Affected: yes.
Comment: This variant is a gross deletion of the genomic region encompassing exons 30-40 of the NF1 gene. The variant introduces a premature stop codon into the sequence, leading to loss of function as a consequence of the reading frame shift. Loss-of-function variants in NF1 are well established as pathogenic. The patient's phenotype is specific for NF1. For these reasons, this variant has been classified as pathogenic.